The following is an entry in ClinVar:

ClinVar aggregate classification (germline): Likely pathogenic (1 of 4 stars; one submission).

Conditions:
Usher syndrome type 2A. Also called: RETINAL DISEASE IN USHER SYNDROME TYPE IIA, MODIFIER OF; USHER SYNDROME, TYPE IIA. Identifiers: Orphanet 231178, Orphanet 886, MedGen C1848634, MONDO:0010169, OMIM 276901.

Submission:

Myriad Genetics, Inc.
Classification: Likely pathogenic for Usher syndrome type 2A. Last evaluated: 2022-01-23. Review status: criteria provided, single submitter. Criteria: Myriad Women's Health Autosomal Recessive and X-Linked Classification Criteria (2021). Collection method: clinical testing. Allele origin: unknown.
Comment: NM_206933.2(USH2A):c.11099T>A(L3700*) is expected to be pathogenic in the context of USH2A-related disorders. This variant is predicted to lead to an abnormal or absent protein product due to the creation of a premature termination codon in USH2A, a gene where loss-of-function variants are known to be pathogenic. Please note: this variant was assessed in the context of healthy population screening.

NM_206933.4(USH2A):c.11099T>A (p.Leu3700Ter)

Gene: USH2A (usherin; minus strand). Cytogenetic location: 1q41.
Variant type: single nucleotide variant.
Coding change: c.11099T>A on transcript NM_206933.4 (MANE Select); coding-DNA position 11099, T replaced by A.
Protein change: p.Leu3700Ter; replaces leucine 3700 with a stop codon.
Molecular consequence: nonsense.
Genome position (GRCh38, 1-based): chr1:215,759,792, A>T on the plus strand (T>A on the coding strand, the complement: USH2A is on the minus strand). VCF-style: chr1-215759792-A-T. GRCh37 (hg19) VCF-style: chr1-215933134-A-T.
Other names: short protein forms L3700*.
Identifiers: ClinVar variation 1724005 (VCV001724005.2), dbSNP rs2465090971, ClinGen allele CA344823122.